The following is an entry in ClinVar:

NM_001367624.2(ZNF469):c.1888G>A (p.Gly630Arg)

Gene: ZNF469 (zinc finger protein 469; plus strand). Cytogenetic location: 16q24.2.
Variant type: single nucleotide variant.
Coding change: c.1888G>A on transcript NM_001367624.2 (MANE Select); coding-DNA position 1888, G replaced by A.
Protein change: p.Gly630Arg; replaces glycine 630 with arginine.
Molecular consequence: missense variant.
Genome position (GRCh38, 1-based): chr16:88,429,358, G>A. VCF-style: chr16-88429358-G-A. GRCh37 (hg19) VCF-style: chr16-88495766-G-A.
Other names: NM_001127464.1:c.1888G>A; short protein forms G630R.
Identifiers: ClinVar variation 1782014 (VCV001782014.2), dbSNP rs1211673053, ClinGen allele CA397069072.
Genomic context (GRCh38, chr16:88,429,358, plus strand): 5'-CCGATGTCCAGCAGCCCAGCCAACCCCAGCTCAGAGGAAAGCCAGCTCCCCGGCCCCCTC[G>A]GGCCCTCGGCCTTCTTCCACCCACCCACTCACCCCCAGGAGACGGGCAGCCCCTTCCCGT-3'
Protein context (NP_001354553.1, residues 620-640): SEESQLPGPL[Gly630Arg]PSAFFHPPTH

ClinVar aggregate classification (germline): Uncertain significance (1 of 4 stars; one submission).

Conditions:
Cardiovascular phenotype. Identifiers: MedGen CN230736.

Allele frequency attached by ClinVar (database versions not stated): TOPMed below 0.00001; gnomAD 0.00001.
gnomAD v4.1: 23 of 1,549,656 alleles (0.0015%); highest among the groups gnomAD compares: South Asian, 0.0095%; no homozygotes.

Submission:

Ambry Genetics
Classification: Uncertain significance for Cardiovascular phenotype. Last evaluated: 2022-06-09. Review status: criteria provided, single submitter. Criteria: Ambry Variant Classification Scheme 2023. Collection method: clinical testing. Allele origin: germline.
Comment: The p.G630R variant (also known as c.1888G>A), located in coding exon 1 of the ZNF469 gene, results from a G to A substitution at nucleotide position 1888. The glycine at codon 630 is replaced by arginine, an amino acid with dissimilar properties. This amino acid position is conserved. In addition, this alteration is predicted to be tolerated by in silico analysis. Since supporting evidence is limited at this time, the clinical significance of this alteration remains unclear.